The following is an entry in ClinVar:

NM_001323289.2(CDKL5):c.632T>C (p.Phe211Ser)

Gene: CDKL5 (cyclin dependent kinase like 5; plus strand). Cytogenetic location: Xp22.13.
Variant type: single nucleotide variant.
Coding change: c.632T>C on transcript NM_001323289.2 (MANE Select); coding-DNA position 632, T replaced by C.
Protein change: p.Phe211Ser; replaces phenylalanine 211 with serine.
Molecular consequence: missense variant.
Genome position (GRCh38, 1-based): chrX:18,588,031, T>C. VCF-style: chrX-18588031-T-C. GRCh37 (hg19) VCF-style: chrX-18606151-T-C.
Other names: c.632T>C, p.Phe211Ser (NM_001037343.2, NM_003159.3); short protein forms F211S.
Identifiers: ClinVar variation 1343829 (VCV001343829.2), dbSNP rs2147148081, ClinGen allele CA412353348.

ClinVar aggregate classification (germline): Likely pathogenic (1 of 4 stars; one submission).

Conditions:
Epileptic encephalopathy. Identifiers: MedGen C0543888, HP:0200134.

Submission:

Cytogénomique, Hospices Civils de Lyon
Classification: Likely pathogenic for Epileptic encephalopathy. Last evaluated: 2022-03-15. Review status: criteria provided, single submitter. Criteria: ACMG Guidelines, 2015. Collection method: clinical testing. Allele origin: de novo. Inheritance: Sporadic. Affected: yes. Observed: 1 variant allele, 1 heterozygote.
Comment: missense variant predicted deleterious, absent from gnomAD.